The following is an entry in ClinVar:

ClinVar aggregate classification (germline): Pathogenic (1 of 4 stars; one submission).

Submission:

Labcorp Genetics (formerly Invitae), Labcorp
Classification: Pathogenic. Last evaluated: 2019-08-05. Review status: criteria provided, single submitter. Criteria: Invitae Variant Classification Sherloc (09022015). Collection method: clinical testing. Allele origin: germline.
Comment: This variant disrupts the C-terminus of the RP1 protein. Other variant(s) that disrupt this region (p.Arg1933*) have been determined to be pathogenic for autosomal recessive disease (PMID: 30913292). This suggests that variants that disrupt this region of the protein are likely to be causative of disease. For these reasons, this variant has been classified as Pathogenic. Algorithms developed to predict the effect of sequence changes on RNA splicing suggest that this variant may create or strengthen a splice site, but this prediction has not been confirmed by published transcriptional studies. This variant has not been reported in the literature in individuals with RP1-related conditions. This variant is not present in population databases (ExAC no frequency). This sequence change results in a premature translational stop signal in the RP1 gene (p.Gln771Lysfs*4). While this is not anticipated to result in nonsense mediated decay, it is expected to disrupt the last 1382 amino acids of the RP1 protein.

Literature cited by the submitters: PubMed 30913292.

NM_006269.2(RP1):c.2310del (p.Gln771fs)

Gene: RP1 (RP1 axonemal microtubule associated; plus strand). Cytogenetic location: 8q12.1.
Variant type: Deletion.
Coding change: c.2310del on transcript NM_006269.2 (MANE Select); coding-DNA position 2310, one base deleted (T; older notation c.2310delT).
Protein change: p.Gln771fs; shifts the reading frame from glutamine 771.
Molecular consequence: frameshift variant. On other transcripts: intron variant (1).
Genome position (GRCh38, 1-based): chr8:54,626,192, T deleted; the last of 2 consecutive T bases (chr8:54,626,191-54,626,192); deleting either gives the same sequence. VCF-style (leftmost placement, unchanged base first): chr8-54626190-GT-G. GRCh37 (hg19) VCF-style: chr8-55538750-GT-G.
Other names: c.787+3904del (NM_001375654.1); short protein forms Q771fs.
Identifiers: ClinVar variation 958739 (VCV000958739.9), dbSNP rs1806040543, ClinGen allele CA1139660533.